The following is an entry in ClinVar:

NM_003628.6(PKP4):c.1106A>G (p.Tyr369Cys)

Gene: PKP4 (plakophilin 4; plus strand). Cytogenetic location: 2q24.1.
Variant type: single nucleotide variant.
Coding change: c.1106A>G on transcript NM_003628.6 (MANE Select); coding-DNA position 1106, A replaced by G.
Protein change: p.Tyr369Cys; replaces tyrosine 369 with cysteine.
Molecular consequence: missense variant.
Genome position (GRCh38, 1-based): chr2:158,625,380, A>G. VCF-style: chr2-158625380-A-G. GRCh37 (hg19) VCF-style: chr2-159481892-A-G.
Other names: c.1106A>G, p.Tyr369Cys (NM_001005476.4, NM_001304969.3, NM_001304971.2 and 6 more transcripts); c.80A>G, p.Tyr27Cys (NM_001304970.3); c.1100A>G, p.Tyr367Cys (NM_001377222.1, NM_001377223.1, NM_001377224.1); short protein forms Y27C, Y367C, Y369C.
Identifiers: ClinVar variation 2563021 (VCV002563021.2), dbSNP rs1388087818, ClinGen allele CA348907127.

ClinVar aggregate classification (germline): Uncertain significance (1 of 4 stars; one submission).

Allele frequency attached by ClinVar (database versions not stated): gnomAD exomes below 0.00001.
gnomAD v4.1: 3 of 1,614,166 alleles (0.00019%); highest among the groups gnomAD compares: Admixed American, 0.0017%; no homozygotes.

Submission:

Ambry Genetics
Classification: Uncertain significance. Last evaluated: 2023-06-05. Review status: criteria provided, single submitter. Criteria: Ambry Variant Classification Scheme 2023. Collection method: clinical testing. Allele origin: germline.
Comment: The p.Y369C variant (also known as c.1106A>G), located in coding exon 6 of the PKP4 gene, results from an A to G substitution at nucleotide position 1106. The tyrosine at codon 369 is replaced by cysteine, an amino acid with highly dissimilar properties. This amino acid position is conserved. In addition, the in silico prediction for this alteration is inconclusive. Since supporting evidence is limited at this time, the clinical significance of this alteration remains unclear.